The following is an entry in ClinVar:

NM_006662.3(SRCAP):c.7435G>T (p.Val2479Phe)

Gene: SRCAP (Snf2 related CREBBP activator protein; plus strand). Cytogenetic location: 16p11.2.
Variant type: single nucleotide variant.
Coding change: c.7435G>T on transcript NM_006662.3 (MANE Select); coding-DNA position 7435, G replaced by T.
Protein change: p.Val2479Phe; replaces valine 2479 with phenylalanine.
Molecular consequence: missense variant.
Genome position (GRCh38, 1-based): chr16:30,737,475, G>T. VCF-style: chr16-30737475-G-T. GRCh37 (hg19) VCF-style: chr16-30748796-G-T.
Other names: short protein forms V2479F.
Identifiers: ClinVar variation 2798892 (VCV002798892.3), dbSNP rs2053171980, ClinGen allele CA395632885.

ClinVar aggregate classification (germline): Uncertain significance (1 of 4 stars; one submission).

Submission:

Labcorp Genetics (formerly Invitae), Labcorp
Classification: Uncertain significance. Last evaluated: 2022-10-28. Review status: criteria provided, single submitter. Criteria: Invitae Variant Classification Sherloc (09022015). Collection method: clinical testing. Allele origin: germline.
Comment: In summary, the available evidence is currently insufficient to determine the role of this variant in disease. Therefore, it has been classified as a Variant of Uncertain Significance. Advanced modeling of protein sequence and biophysical properties (such as structural, functional, and spatial information, amino acid conservation, physicochemical variation, residue mobility, and thermodynamic stability) performed at Invitae indicates that this missense variant is not expected to disrupt SRCAP protein function. This variant has not been reported in the literature in individuals affected with SRCAP-related conditions. This variant is not present in population databases (gnomAD no frequency). This sequence change replaces valine, which is neutral and non-polar, with phenylalanine, which is neutral and non-polar, at codon 2479 of the SRCAP protein (p.Val2479Phe).